The following is an entry in ClinVar:

NM_000179.3(MSH6):c.1279T>C (p.Tyr427His)

Gene: MSH6 (mutS homolog 6; plus strand). Cytogenetic location: 2p16.3.
Variant type: single nucleotide variant.
Coding change: c.1279T>C on transcript NM_000179.3 (MANE Select); coding-DNA position 1279, T replaced by C.
Protein change: p.Tyr427His; replaces tyrosine 427 with histidine.
Molecular consequence: missense variant.
Genome position (GRCh38, 1-based): chr2:47,799,262, T>C. VCF-style: chr2-47799262-T-C. GRCh37 (hg19) VCF-style: chr2-48026401-T-C.
Other names: c.889T>C, p.Tyr297His (NM_001281492.2); c.373T>C, p.Tyr125His (NM_001281493.2, NM_001281494.2); short protein forms Y297H, Y125H, Y427H.
Identifiers: ClinVar variation 1469922 (VCV001469922.10), dbSNP rs1669315029, ClinGen allele CA346744101.

ClinVar aggregate classification (germline): Uncertain significance. Review status: criteria provided, multiple submitters, no conflicts (2 of 4 stars). 3 submissions from 3 submitters: Uncertain significance (3). Last evaluated 2025-11-05.

Conditions:
Hereditary cancer-predisposing syndrome. Also called: Tumor predisposition; Hereditary Cancer Syndrome; Hereditary neoplastic syndrome; Neoplastic Syndromes, Hereditary. Identifiers: Orphanet 140162, MedGen C0027672, MeSH D009386, MONDO:0015356.
Hereditary nonpolyposis colorectal neoplasms. Identifiers: MedGen C0009405, MeSH D003123.
Endometrial carcinoma. Also called: Endometrial carcinoma, somatic. Identifiers: MedGen C0476089, MONDO:0002447, OMIM 608089, HP:0012114.

Submissions (3):

Labcorp Genetics (formerly Invitae), Labcorp
Classification: Uncertain significance for Hereditary nonpolyposis colorectal neoplasms. Last evaluated: 2025-11-05. Review status: criteria provided, single submitter. Criteria: Invitae Variant Classification Sherloc (09022015). Collection method: clinical testing. Allele origin: germline.
Comment: This sequence change replaces tyrosine, which is neutral and polar, with histidine, which is basic and polar, at codon 427 of the MSH6 protein (p.Tyr427His). This variant is not present in population databases (gnomAD no frequency). This variant has not been reported in the literature in individuals affected with MSH6-related conditions. ClinVar contains an entry for this variant (Variation ID: 1469922). Invitae Evidence Modeling of protein sequence and biophysical properties (such as structural, functional, and spatial information, amino acid conservation, physicochemical variation, residue mobility, and thermodynamic stability) has been performed for this missense variant. However, the output from this modeling did not meet the statistical confidence thresholds required to predict the impact of this variant on MSH6 protein function. In summary, the available evidence is currently insufficient to determine the role of this variant in disease. Therefore, it has been classified as a Variant of Uncertain Significance.

Color Diagnostics, LLC DBA Color Health
Classification: Uncertain significance for Hereditary cancer-predisposing syndrome. Last evaluated: 2025-09-05. Review status: criteria provided, single submitter. Criteria: ACMG Guidelines, 2015. Collection method: clinical testing. Allele origin: germline.
Comment: This missense variant replaces tyrosine with histidine at codon 427 of the MSH6 protein. Computational prediction suggests that this variant may have deleterious impact on protein structure and function. To our knowledge, functional studies have not been reported for this variant. This variant has not been reported in individuals affected with MSH6-related disorders in the literature. This variant has not been identified in the general population by the Genome Aggregation Database (gnomAD). The available evidence is insufficient to determine the role of this variant in disease conclusively. Therefore, this variant is classified as a Variant of Uncertain Significance.

Baylor Genetics
Classification: Uncertain significance for Endometrial carcinoma. Last evaluated: 2023-11-16. Review status: criteria provided, single submitter. Criteria: ACMG Guidelines, 2015. Collection method: clinical testing. Allele origin: unknown.